The following is an entry in ClinVar:

NM_001142864.4(PIEZO1):c.1020+14A>G

Genes: HSALR1 (HSP90AB1 associated lncRNA 1; plus strand), PIEZO1 (piezo type mechanosensitive ion channel component 1 (Er blood group); minus strand). Cytogenetic location: 16q24.3.
Variant type: single nucleotide variant.
Coding change: c.1020+14A>G on transcript NM_001142864.4 (MANE Select); 14 bases into the intron after coding-DNA position 1020, A replaced by G.
Molecular consequence: intron variant. On other transcripts: non-coding transcript variant (1).
Genome position (GRCh38, 1-based): chr16:88,737,920, T>C on the plus strand (A>G on the coding strand, the complement: PIEZO1 is on the minus strand). VCF-style: chr16-88737920-T-C. GRCh37 (hg19) VCF-style: chr16-88804328-T-C.
Identifiers: ClinVar variation 1030202 (VCV001030202.1), dbSNP rs956707579, ClinGen allele CA497368412.

ClinVar aggregate classification (germline): Uncertain significance (1 of 4 stars; one submission).

Conditions:
Dehydrated hereditary stomatocytosis with or without pseudohyperkalemia and/or perinatal edema (DHS1). Also called: PSEUDOHYPERKALEMIA EDINBURGH; DEHYDRATED HEREDITARY STOMATOCYTOSIS AND PSEUDOHYPERKALEMIA; DEHYDRATED HEREDITARY STOMATOCYTOSIS WITH PSEUDOHYPERKALEMIA AND PERINATAL EDEMA; Pseudohyperkalemia, familial, 1, due to red cell leak; Dehydrated hereditary stomatocytosis 1 with or without pseudohyperkalemia and/or perinatal edema. Identifiers: Orphanet 3202, MedGen C4551512, MONDO:0008689, OMIM 194380.

Allele frequency attached by ClinVar (database versions not stated): TOPMed 0.00001.
gnomAD v4.1: 6 of 1,529,954 alleles (0.00039%); highest among the groups gnomAD compares: East Asian, 0.012%; no homozygotes.

Submission:

Baylor Genetics
Classification: Uncertain significance for Dehydrated hereditary stomatocytosis with or without pseudohyperkalemia and/or perinatal edema. Last evaluated: 2019-09-26. Review status: criteria provided, single submitter. Criteria: ACMG Guidelines, 2015. Collection method: clinical testing. Allele origin: unknown. Affected: yes.
Comment: This variant was determined to be of uncertain significance according to ACMG Guidelines, 2015 [PMID:25741868].